The following is an entry in ClinVar:

NM_182746.3(MCM4):c.833-14T>C

Gene: MCM4 (minichromosome maintenance complex component 4; plus strand). Cytogenetic location: 8q11.21.
Variant type: single nucleotide variant.
Coding change: c.833-14T>C on transcript NM_182746.3 (MANE Select); 14 bases into the intron before coding-DNA position 833, T replaced by C.
Molecular consequence: intron variant.
Genome position (GRCh38, 1-based): chr8:47,966,173, T>C. VCF-style: chr8-47966173-T-C. GRCh37 (hg19) VCF-style: chr8-48878733-T-C.
Other names: c.833-14T>C (LRG_1239t1, NM_005914.4).
Identifiers: ClinVar variation 363222 (VCV000363222.12), dbSNP rs191317744, ClinGen allele CA4742443.

ClinVar aggregate classification (germline): Benign/Likely benign. Review status: criteria provided, multiple submitters, no conflicts (2 of 4 stars). 2 submissions from 2 submitters: Benign (1); Likely benign (1). Last evaluated 2026-02-01.

Conditions:
Primary immunodeficiency with natural-killer cell deficiency and adrenal insufficiency (IMD54). Also called: Natural killer cell and glucocorticoid deficiency with DNA repair defect; IMMUNODEFICIENCY 54. Identifiers: Orphanet 75391, MedGen C1864947, MONDO:0012383, OMIM 609981.

Allele frequency attached by ClinVar (database versions not stated): gnomAD exomes 0.00010 and 0.00028; ExAC 0.00045; 1000 Genomes Project 0.00080; 1000 Genomes Project 30x 0.00094; gnomAD 0.00120 and 0.00131; TOPMed 0.00136; ESP Exome Variant Server 0.00185.
gnomAD v4.1: 337 of 1,610,668 alleles (0.021%); highest among the groups gnomAD compares: African/African-American, 0.42%; 1 homozygote.

Submissions (2):

Labcorp Genetics (formerly Invitae), Labcorp
Classification: Benign. Last evaluated: 2026-02-01. Review status: criteria provided, single submitter. Criteria: Invitae Variant Classification Sherloc (09022015). Collection method: clinical testing. Allele origin: germline.

Illumina Laboratory Services, Illumina
Classification: Likely benign for Primary immunodeficiency with natural-killer cell deficiency and adrenal insufficiency. Last evaluated: 2018-01-13. Review status: criteria provided, single submitter. Criteria: ICSL Variant Classification Criteria 13 December 2019. Collection method: clinical testing. Allele origin: germline.
Comment: This variant was observed in the ICSL laboratory as part of a predisposition screen in an ostensibly healthy population. It had not been previously curated by ICSL or reported in the Human Gene Mutation Database (HGMD: prior to June 1st, 2018), and was therefore a candidate for classification through an automated scoring system. Utilizing variant allele frequency, disease prevalence and penetrance estimates, and inheritance mode, an automated score was calculated to assess if this variant is too frequent to cause the disease. Based on the score and internal cut-off values, a variant classified as likely benign is not then subjected to further curation. The score for this variant resulted in a classification of likely benign for this disease.